The following is an entry in ClinVar:

NM_005477.3(HCN4):c.1421G>A (p.Ser474Asn)

Gene: HCN4 (hyperpolarization activated cyclic nucleotide gated potassium channel 4; minus strand). Cytogenetic location: 15q24.1.
Variant type: single nucleotide variant.
Coding change: c.1421G>A on transcript NM_005477.3 (MANE Select); coding-DNA position 1421, G replaced by A.
Protein change: p.Ser474Asn; replaces serine 474 with asparagine.
Molecular consequence: missense variant.
Genome position (GRCh38, 1-based): chr15:73,329,742, C>T on the plus strand (G>A on the coding strand, the complement: HCN4 is on the minus strand). VCF-style: chr15-73329742-C-T. GRCh37 (hg19) VCF-style: chr15-73622083-C-T.
Other names: short protein forms S474N.
Identifiers: ClinVar variation 1464416 (VCV001464416.8), dbSNP rs2151217059, ClinGen allele CA393094015.

ClinVar aggregate classification (germline): Uncertain significance (1 of 4 stars; one submission).

Conditions:
Brugada syndrome 8 (BRGDA8). Identifiers: Orphanet 130, MedGen C2751083, MONDO:0013148, OMIM 613123.

Submission:

Labcorp Genetics (formerly Invitae), Labcorp
Classification: Uncertain significance for Brugada syndrome 8. Last evaluated: 2023-05-14. Review status: criteria provided, single submitter. Criteria: Invitae Variant Classification Sherloc (09022015). Collection method: clinical testing. Allele origin: germline.
Comment: This variant is not present in population databases (gnomAD no frequency). This sequence change replaces serine, which is neutral and polar, with asparagine, which is neutral and polar, at codon 474 of the HCN4 protein (p.Ser474Asn). This variant has not been reported in the literature in individuals affected with HCN4-related conditions. In summary, the available evidence is currently insufficient to determine the role of this variant in disease. Therefore, it has been classified as a Variant of Uncertain Significance. Advanced modeling of protein sequence and biophysical properties (such as structural, functional, and spatial information, amino acid conservation, physicochemical variation, residue mobility, and thermodynamic stability) performed at Invitae indicates that this missense variant is expected to disrupt HCN4 protein function. ClinVar contains an entry for this variant (Variation ID: 1464416).